The following is an entry in ClinVar:

NM_022489.4(INF2):c.2978G>A (p.Arg993His)

Gene: INF2 (inverted formin 2; plus strand). Cytogenetic location: 14q32.33.
Variant type: single nucleotide variant.
Coding change: c.2978G>A on transcript NM_022489.4 (MANE Select); coding-DNA position 2978, G replaced by A.
Protein change: p.Arg993His; replaces arginine 993 with histidine.
Molecular consequence: missense variant.
Genome position (GRCh38, 1-based): chr14:104,713,544, G>A. VCF-style: chr14-104713544-G-A. GRCh37 (hg19) VCF-style: chr14-105179881-G-A.
Other names: c.2978G>A (NM_022489.3); c.2978G>A, p.Arg993His (NM_001031714.4); short protein forms R993H.
Identifiers: ClinVar variation 2024135 (VCV002024135.5), dbSNP rs531849769, ClinGen allele CA7373141.

ClinVar aggregate classification (germline): Conflicting classifications of pathogenicity. Review status: criteria provided, conflicting classifications (1 of 4 stars). 2 submissions from 2 submitters: Uncertain significance (1); Likely benign (1). Last evaluated 2026-04-15.

Conditions:
INF2-related disorder. Also called: INF2-related condition.
Focal segmental glomerulosclerosis 5 (FSGS5). Identifiers: Orphanet 656, MedGen C2750475, MONDO:0013191, OMIM 613237.
Charcot-Marie-Tooth disease dominant intermediate E. Also called: CHARCOT-MARIE-TOOTH NEUROPATHY WITH FOCAL SEGMENTAL GLOMERULONEPHRITIS. Identifiers: Orphanet 93114, MedGen C4302667, MONDO:0013758, OMIM 614455.

Allele frequency attached by ClinVar (database versions not stated): gnomAD 0.00003; 1000 Genomes Project 30x 0.00016; 1000 Genomes Project 0.00020; gnomAD exomes 0.00001; TOPMed 0.00002; ExAC 0.00003.
gnomAD v4.1: 26 of 1,611,836 alleles (0.0016%); highest among the groups gnomAD compares: South Asian, 0.0066%; no homozygotes.

Submissions (2):

PreventionGenetics, part of Exact Sciences
Classification: Uncertain significance for INF2-related condition. Last evaluated: 2026-04-15. Review status: criteria provided, single submitter. Criteria: ACMG Guidelines, 2015. Collection method: clinical testing. Allele origin: germline.
Comment: The INF2 c.2978G>A variant is predicted to result in the amino acid substitution p.Arg993His. To our knowledge, this variant has not been reported in the literature. This variant is reported in 0.0066% of alleles in individuals of South Asian descent in gnomAD. At this time, the clinical significance of this variant is uncertain due to the absence of conclusive functional and genetic evidence.

Labcorp Genetics (formerly Invitae), Labcorp
Classification: Likely benign for Charcot-Marie-Tooth disease dominant intermediate E; Focal segmental glomerulosclerosis 5. Last evaluated: 2026-01-09. Review status: criteria provided, single submitter. Criteria: Invitae Variant Classification Sherloc (09022015). Collection method: clinical testing. Allele origin: germline.